The following is an entry in ClinVar:

ClinVar aggregate classification (germline): Uncertain significance (1 of 4 stars; one submission).

Conditions:
CBL-related disorder. Also called: NOONAN SYNDROME-LIKE DISORDER WITHOUT JUVENILE MYELOMONOCYTIC LEUKEMIA; CBL MUTATION-ASSOCIATED SYNDROME; CBL SYNDROME. Identifiers: Orphanet 363972, MedGen C3150803, MONDO:0013308, OMIM 613563.

Allele frequency attached by ClinVar (database versions not stated): TOPMed 0.00001.

Submission:

Centre for Mendelian Genomics, University Medical Centre Ljubljana
Classification: Uncertain significance for CBL-related disorder. Last evaluated: 2020-03-25. Review status: criteria provided, single submitter. Criteria: ACMG Guidelines, 2015. Collection method: clinical testing. Allele origin: unknown. Affected: yes.
Comment: This variant was classified as: Uncertain significance. The available evidence on this variant's pathogenicity is insufficient or conflicting. The following ACMG criteria were applied in classifying this variant: PM2,PP3.

NM_005188.4(CBL):c.461T>C (p.Leu154Pro)

Gene: CBL (Cbl proto-oncogene; plus strand). Cytogenetic location: 11q23.3.
Variant type: single nucleotide variant.
Coding change: c.461T>C on transcript NM_005188.4 (MANE Select); coding-DNA position 461, T replaced by C.
Protein change: p.Leu154Pro; replaces leucine 154 with proline.
Molecular consequence: missense variant.
Genome position (GRCh38, 1-based): chr11:119,271,752, T>C. VCF-style: chr11-119271752-T-C. GRCh37 (hg19) VCF-style: chr11-119142462-T-C.
Other names: short protein forms L154P.
Identifiers: ClinVar variation 931865 (VCV000931865.3), dbSNP rs1949850753, ClinGen allele CA382907075.